The following is an entry in ClinVar:

NM_005475.3(SH2B3):c.1651C>T (p.Arg551Trp)

Gene: SH2B3 (SH2B adaptor protein 3; plus strand). Cytogenetic location: 12q24.12.
Variant type: single nucleotide variant.
Coding change: c.1651C>T on transcript NM_005475.3 (MANE Select); coding-DNA position 1651, C replaced by T.
Protein change: p.Arg551Trp; replaces arginine 551 with tryptophan.
Molecular consequence: missense variant.
Genome position (GRCh38, 1-based): chr12:111,448,225, C>T. VCF-style: chr12-111448225-C-T. GRCh37 (hg19) VCF-style: chr12-111886029-C-T.
Other names: c.1045C>T, p.Arg349Trp (NM_001291424.1); short protein forms R349W, R551W.
Identifiers: ClinVar variation 2920793 (VCV002920793.3), dbSNP rs376914049, ClinGen allele CA6790054.

ClinVar aggregate classification (germline): Uncertain significance. Review status: criteria provided, multiple submitters, no conflicts (2 of 4 stars). 2 submissions from 2 submitters: Uncertain significance (2). Last evaluated 2026-03-15.

Conditions:
SH2B3-related disorder. Also called: SH2B3-related condition.

Allele frequency attached by ClinVar (database versions not stated): gnomAD 0.00003.
gnomAD v4.1: 130 of 1,613,994 alleles (0.0081%); highest among the groups gnomAD compares: East Asian, 0.071%; no homozygotes.

Submissions (2):

PreventionGenetics, part of Exact Sciences
Classification: Uncertain significance for SH2B3-related condition. Last evaluated: 2026-03-15. Review status: criteria provided, single submitter. Criteria: ACMG Guidelines, 2015. Collection method: clinical testing. Allele origin: germline.
Comment: The SH2B3 c.1651C>T variant is predicted to result in the amino acid substitution p.Arg551Trp. To our knowledge, this variant has not been reported in the literature. This variant is reported in 0.042% of alleles in individuals of South Asian descent in gnomAD. At this time, the clinical significance of this variant is uncertain due to the absence of conclusive functional and genetic evidence.

ARUP Laboratories, Molecular Genetics and Genomics, ARUP Laboratories
Classification: Uncertain significance. Last evaluated: 2023-11-03. Review status: criteria provided, single submitter. Criteria: ARUP Molecular Germline Variant Investigation Process 2024. Collection method: clinical testing. Allele origin: germline.